The following is an entry in ClinVar:

ClinVar aggregate classification (germline): Uncertain significance (1 of 4 stars; one submission).

Submission:

Labcorp Genetics (formerly Invitae), Labcorp
Classification: Uncertain significance. Last evaluated: 2025-11-27. Review status: criteria provided, single submitter. Criteria: Invitae Variant Classification Sherloc (09022015). Collection method: clinical testing. Allele origin: germline.
Comment: This sequence change falls in intron 14 of the MICAL1 gene. It does not directly change the encoded amino acid sequence of the MICAL1 protein. This variant is present in population databases (no rsID available, gnomAD 0.003%). This variant has not been reported in the literature in individuals affected with MICAL1-related conditions. ClinVar contains an entry for this variant (Variation ID: 2978391). Algorithms developed to predict the effect of sequence changes on RNA splicing suggest that this variant may create or strengthen a splice site. In summary, the available evidence is currently insufficient to determine the role of this variant in disease. Therefore, it has been classified as a Variant of Uncertain Significance.

NM_022765.4(MICAL1):c.1944+17G>A

Gene: MICAL1 (microtubule associated monooxygenase, calponin and LIM domain containing 1; minus strand). Cytogenetic location: 6q21.
Variant type: single nucleotide variant.
Coding change: c.1944+17G>A on transcript NM_022765.4 (MANE Select); 17 bases into the intron after coding-DNA position 1944, G replaced by A.
Molecular consequence: intron variant.
Genome position (GRCh38, 1-based): chr6:109,447,858, C>T on the plus strand (G>A on the coding strand, the complement: MICAL1 is on the minus strand). VCF-style: chr6-109447858-C-T. GRCh37 (hg19) VCF-style: chr6-109769061-C-T.
Other names: c.2001+17G>A (NM_001286613.2); c.1686+17G>A (NM_001159291.2).
Identifiers: ClinVar variation 2978391 (VCV002978391.3), dbSNP rs1214743988, ClinGen allele CA569571116.
Genomic context (GRCh38, chr6:109,447,858, plus strand): 5'-ATCACCCCAGGATCTCCACTGGGTACCCCCCTGCCCACTCCTCCCTGCTCAGCTCCAGCC[C>T]TGCCTAAACTCTCCACCTTGGCCCGGGATCGCTGCAGGGTCCTCTGAAGTTTACTAAGGA-3'